The following is an entry in ClinVar:

ClinVar aggregate classification (germline): Uncertain significance (1 of 4 stars; one submission).

Conditions:
Autoimmune interstitial lung disease-arthritis syndrome. Also called: Autoinflammation and autoimmunity, systemic, with immune dysregulation. Identifiers: Orphanet 444092, MedGen C5975714, MONDO:0014629.

Allele frequency attached by ClinVar (database versions not stated): gnomAD 0.00002; TOPMed 0.00002; gnomAD exomes 0.00003 and 0.00004; ExAC 0.00005.
gnomAD v4.1: 50 of 1,613,966 alleles (0.0031%); highest among the groups gnomAD compares: South Asian, 0.0044%; no homozygotes.

Submission:

Labcorp Genetics (formerly Invitae), Labcorp
Classification: Uncertain significance for Autoimmune interstitial lung disease-arthritis syndrome. Last evaluated: 2025-09-10. Review status: criteria provided, single submitter. Criteria: Invitae Variant Classification Sherloc (09022015). Collection method: clinical testing. Allele origin: germline.
Comment: This sequence change replaces arginine, which is basic and polar, with tryptophan, which is neutral and slightly polar, at codon 1009 of the COPA protein (p.Arg1009Trp). This variant is present in population databases (rs764570410, gnomAD 0.008%). This variant has not been reported in the literature in individuals affected with COPA-related conditions. ClinVar contains an entry for this variant (Variation ID: 960569). Invitae Evidence Modeling of protein sequence and biophysical properties (such as structural, functional, and spatial information, amino acid conservation, physicochemical variation, residue mobility, and thermodynamic stability) indicates that this missense variant is expected to disrupt COPA protein function with a positive predictive value of 80%. In summary, the available evidence is currently insufficient to determine the role of this variant in disease. Therefore, it has been classified as a Variant of Uncertain Significance.

NM_004371.4(COPA):c.3025C>T (p.Arg1009Trp)

Gene: COPA (coat protein complex I subunit alpha; minus strand). Cytogenetic location: 1q23.2.
Variant type: single nucleotide variant.
Coding change: c.3025C>T on transcript NM_004371.4 (MANE Select); coding-DNA position 3025, C replaced by T.
Protein change: p.Arg1009Trp; replaces arginine 1009 with tryptophan.
Molecular consequence: missense variant.
Genome position (GRCh38, 1-based): chr1:160,292,134, G>A on the plus strand (C>T on the coding strand, the complement: COPA is on the minus strand). VCF-style: chr1-160292134-G-A. GRCh37 (hg19) VCF-style: chr1-160261924-G-A.
Other names: c.3052C>T, p.Arg1018Trp (NM_001098398.2); short protein forms R1009W, R1018W.
Identifiers: ClinVar variation 960569 (VCV000960569.9), dbSNP rs764570410, ClinGen allele CA1197708.